The following is an entry in ClinVar:

ClinVar aggregate classification (germline): Uncertain significance (1 of 4 stars; one submission).

Submission:

Labcorp Genetics (formerly Invitae), Labcorp
Classification: Uncertain significance. Last evaluated: 2022-08-23. Review status: criteria provided, single submitter. Criteria: Invitae Variant Classification Sherloc (09022015). Collection method: clinical testing. Allele origin: germline.
Comment: Experimental studies and prediction algorithms are not available or were not evaluated, and the effect of this variant on mRNA splicing is currently unknown. In summary, the available evidence is currently insufficient to determine the role of this variant in disease. Therefore, it has been classified as a Variant of Uncertain Significance. This variant has not been reported in the literature in individuals affected with LZTR1-related conditions. This sequence change falls in intron 4 of the LZTR1 gene. It does not directly change the encoded amino acid sequence of the LZTR1 protein. Information on the frequency of this variant in the gnomAD database is not available, as this variant may be reported differently in the database.

NM_006767.4(LZTR1):c.401-19_401-18delinsAA

Gene: LZTR1 (leucine zipper like post translational regulator 1; plus strand). Cytogenetic location: 22q11.21.
Variant type: Indel.
Coding change: c.401-19_401-18delinsAA on transcript NM_006767.4 (MANE Select); 19 bases into the intron before coding-DNA position 401 through 18 bases into the intron before coding-DNA position 401, TC replaced by AA.
Molecular consequence: intron variant.
Genome position (GRCh38, 1-based): chr22:20,987,991-20,987,992, TC replaced by AA. VCF-style: chr22-20987991-TC-AA. GRCh37 (hg19) VCF-style: chr22-21342280-TC-AA.
Identifiers: ClinVar variation 2026563 (VCV002026563.4), dbSNP rs2518613138, ClinGen allele CA2580099169.
Genomic context (GRCh38, chr22:20,987,991, plus strand): 5'-GATTCTGCTCCACCTTCCAGGGTTTGAAATCTCCAAGACTGCCCTTTGGGTTTGACAGTT[TC>AA]TCACTCTCTTTACTCAGGGGGTTACACTGGGGACATTTATTCCAATTCTAACTTGAAGAA-3'